The following is an entry in ClinVar:

ClinVar aggregate classification (germline): Uncertain significance (1 of 4 stars; one submission).

Submission:

GeneDx
Classification: Uncertain significance. Last evaluated: 2017-10-16. Review status: criteria provided, single submitter. Criteria: GeneDx Variant Classification (06012015). Collection method: clinical testing. Allele origin: germline. Affected: yes.
Comment: The G178R variant in the CRYBB2 gene has not been reported previously as a pathogenic variant, nor as a benign variant, to our knowledge. The G178R variant is not observed in large population cohorts (Lek et al., 2016). The G178R variant is a non-conservative amino acid substitution, which is likely to impact secondary protein structure as these residues differ in polarity, charge, size and/or other properties. This substitution occurs at a position that is conserved across species, and in silico analysis predicts this variant is probably damaging to the protein structure/function. We interpret G178R as a variant of uncertain significance.

NM_000496.3(CRYBB2):c.532G>C (p.Gly178Arg)

Gene: CRYBB2 (crystallin beta B2; plus strand). Cytogenetic location: 22q11.23.
Variant type: single nucleotide variant.
Coding change: c.532G>C on transcript NM_000496.3 (MANE Select); coding-DNA position 532, G replaced by C.
Protein change: p.Gly178Arg; replaces glycine 178 with arginine.
Molecular consequence: missense variant.
Genome position (GRCh38, 1-based): chr22:25,231,686, G>C. VCF-style: chr22-25231686-G-C. GRCh37 (hg19) VCF-style: chr22-25627653-G-C.
Other names: short protein forms G178R.
Identifiers: ClinVar variation 452715 (VCV000452715.2), dbSNP rs1555889296, ClinGen allele CA410988317.